The following is an entry in ClinVar:

ClinVar aggregate classification (germline): Uncertain significance. Review status: criteria provided, multiple submitters, no conflicts (2 of 4 stars). 2 submissions from 2 submitters: Uncertain significance (2). Last evaluated 2025-01-29.

Conditions:
Inborn genetic diseases. Identifiers: MedGen C0950123, MeSH D030342.
Spastic ataxia 2. Also called: Ataxia, spastic, 2, autosomal recessive. Identifiers: Orphanet 397946, MedGen C1969796, MONDO:0012651, OMIM 611302.

Allele frequency attached by ClinVar (database versions not stated): ExAC 0.00005; gnomAD 0.00005; TOPMed 0.00012.
gnomAD v4.1: 30 of 1,591,576 alleles (0.0019%); highest among the groups gnomAD compares: Middle Eastern, 0.017%; no homozygotes.

Submissions (2):

Ambry Genetics
Classification: Uncertain significance for Inborn genetic diseases. Last evaluated: 2025-01-29. Review status: criteria provided, single submitter. Criteria: Ambry Variant Classification Scheme 2023. Collection method: clinical testing. Allele origin: germline.

Labcorp Genetics (formerly Invitae), Labcorp
Classification: Uncertain significance for Spastic ataxia 2. Last evaluated: 2024-10-28. Review status: criteria provided, single submitter. Criteria: Invitae Variant Classification Sherloc (09022015). Collection method: clinical testing. Allele origin: germline.
Comment: This sequence change replaces arginine, which is basic and polar, with tryptophan, which is neutral and slightly polar, at codon 862 of the KIF1C protein (p.Arg862Trp). The frequency data for this variant in the population databases is considered unreliable, as metrics indicate poor data quality at this position in the gnomAD database. This variant has not been reported in the literature in individuals affected with KIF1C-related conditions. ClinVar contains an entry for this variant (Variation ID: 1962654). An algorithm developed to predict the effect of missense changes on protein structure and function (PolyPhen-2) suggests that this variant is likely to be disruptive. In summary, the available evidence is currently insufficient to determine the role of this variant in disease. Therefore, it has been classified as a Variant of Uncertain Significance.

NM_006612.6(KIF1C):c.2584C>T (p.Arg862Trp)

Gene: KIF1C (kinesin family member 1C; plus strand). Cytogenetic location: 17p13.2.
Variant type: single nucleotide variant.
Coding change: c.2584C>T on transcript NM_006612.6 (MANE Select); coding-DNA position 2584, C replaced by T.
Protein change: p.Arg862Trp; replaces arginine 862 with tryptophan.
Molecular consequence: missense variant.
Genome position (GRCh38, 1-based): chr17:5,022,665, C>T. VCF-style: chr17-5022665-C-T. GRCh37 (hg19) VCF-style: chr17-4925960-C-T.
Other names: c.2584C>T (NM_006612.5); short protein forms R862W.
Identifiers: ClinVar variation 1962654 (VCV001962654.5), dbSNP rs764833076, ClinGen allele CA8319326.